The following is an entry in ClinVar:

ClinVar aggregate classification (germline): Uncertain significance. Review status: criteria provided, multiple submitters, no conflicts (2 of 4 stars). 2 submissions from 2 submitters: Uncertain significance (2). Last evaluated 2024-09-06.

Conditions:
Leber congenital amaurosis 6 (LCA6). Identifiers: Orphanet 65, MedGen C1854260, MONDO:0013446, OMIM 613826.
Cone-rod dystrophy 13 (CORD13). Identifiers: Orphanet 1872, MedGen C2750720, MONDO:0011987, OMIM 608194.

Allele frequency attached by ClinVar (database versions not stated): gnomAD exomes 0.00001 and 0.00002; TOPMed 0.00001; gnomAD 0.00002 and 0.00003.
gnomAD v4.1: 21 of 1,613,052 alleles (0.0013%); highest among the groups gnomAD compares: Non-Finnish European, 0.0018%; no homozygotes.

Submissions (2):

Blueprint Genetics
Classification: Uncertain significance. Last evaluated: 2024-09-06. Review status: criteria provided, single submitter. Criteria: ACMG Guidelines, 2015. Collection method: clinical testing. Allele origin: germline.

Labcorp Genetics (formerly Invitae), Labcorp
Classification: Uncertain significance for Leber congenital amaurosis 6; Cone-rod dystrophy 13. Last evaluated: 2022-10-04. Review status: criteria provided, single submitter. Criteria: Invitae Variant Classification Sherloc (09022015). Collection method: clinical testing. Allele origin: germline.
Comment: In summary, the available evidence is currently insufficient to determine the role of this variant in disease. Therefore, it has been classified as a Variant of Uncertain Significance. Algorithms developed to predict the effect of sequence changes on RNA splicing suggest that this variant may disrupt the consensus splice site. Advanced modeling of protein sequence and biophysical properties (such as structural, functional, and spatial information, amino acid conservation, physicochemical variation, residue mobility, and thermodynamic stability) performed at Invitae indicates that this missense variant is expected to disrupt RPGRIP1 protein function. ClinVar contains an entry for this variant (Variation ID: 1002784). This variant has not been reported in the literature in individuals affected with RPGRIP1-related conditions. This variant is present in population databases (no rsID available, gnomAD 0.004%). This sequence change replaces glutamic acid, which is acidic and polar, with lysine, which is basic and polar, at codon 878 of the RPGRIP1 protein (p.Glu878Lys).

NM_020366.4(RPGRIP1):c.2632G>A (p.Glu878Lys)

Gene: RPGRIP1 (RPGR interacting protein 1; plus strand). Cytogenetic location: 14q11.2.
Variant type: single nucleotide variant.
Coding change: c.2632G>A on transcript NM_020366.4 (MANE Select); coding-DNA position 2632, G replaced by A.
Protein change: p.Glu878Lys; replaces glutamic acid 878 with lysine.
Molecular consequence: missense variant. On other transcripts: intron variant (4).
Genome position (GRCh38, 1-based): chr14:21,326,095, G>A. VCF-style: chr14-21326095-G-A. GRCh37 (hg19) VCF-style: chr14-21794254-G-A.
Other names: c.1558G>A, p.Glu520Lys (NM_001377948.1); c.796+1370G>A (NM_001377949.1); c.689-1528G>A (NM_001377523.1, NM_001377950.1); c.191-1528G>A (NM_001377951.1); short protein forms E520K, E878K.
Identifiers: ClinVar variation 1002784 (VCV001002784.7), dbSNP rs1019416252, ClinGen allele CA257536141.